The following is an entry in ClinVar:

ClinVar aggregate classification (germline): Pathogenic (1 of 4 stars; one submission).

Conditions:
Primary ciliary dyskinesia 3. Identifiers: Orphanet 244, MedGen C1837618, MONDO:0012085, OMIM 608644.

Submission:

Myriad Genetics, Inc.
Classification: Pathogenic for Primary ciliary dyskinesia 3. Last evaluated: 2024-05-14. Review status: criteria provided, single submitter. Criteria: Myriad Autosomal Dominant, Autosomal Recessive and X-Linked Classification Criteria (2023). Collection method: clinical testing. Allele origin: unknown.
Comment: NM_001369.2(DNAH5):c.928_929del2ins13(K310Yfs*19) is expected to be pathogenic in the context of primary ciliary dyskinesia, DNAH5-related. This variant is predicted to lead to an abnormal or absent protein product due to the creation of a premature termination codon in DNAH5, a gene where loss-of-function variants are known to be pathogenic. Please note: this variant was assessed in the context of healthy population screening.

NM_001369.3(DNAH5):c.928_929delinsTATAAGAGACAGT (p.Lys310fs)

Gene: DNAH5 (dynein axonemal heavy chain 5; minus strand). Cytogenetic location: 5p15.2.
Variant type: Indel.
Coding change: c.928_929delinsTATAAGAGACAGT on transcript NM_001369.3 (MANE Select); coding-DNA positions 928 to 929, AA replaced by TATAAGAGACAGT.
Protein change: p.Lys310fs; shifts the reading frame from lysine 310.
Molecular consequence: frameshift variant.
Genome position (GRCh38, 1-based): chr5:13,919,222-13,919,223, TT replaced by ACTGTCTCTTATA on the plus strand (AA replaced by TATAAGAGACAGT on the coding strand, the reverse complement: DNAH5 is on the minus strand). VCF-style: chr5-13919222-TT-ACTGTCTCTTATA. GRCh37 (hg19) VCF-style: chr5-13919331-TT-ACTGTCTCTTATA.
Other names: short protein forms K310fs.
Identifiers: ClinVar variation 5016393 (VCV005016393.1).